The following is an entry in ClinVar:

NM_032043.3(BRIP1):c.546T>C (p.Asn182=)

Gene: BRIP1 (BRCA1 interacting DNA helicase 1; minus strand). Cytogenetic location: 17q23.2.
Variant type: single nucleotide variant.
Coding change: c.546T>C on transcript NM_032043.3 (MANE Select); coding-DNA position 546, T replaced by C.
Protein change: p.Asn182=; no amino-acid change (asparagine 182 retained).
Molecular consequence: synonymous variant.
Genome position (GRCh38, 1-based): chr17:61,847,182, A>G on the plus strand (T>C on the coding strand, the complement: BRIP1 is on the minus strand). VCF-style: chr17-61847182-A-G. GRCh37 (hg19) VCF-style: chr17-59924543-A-G.
Identifiers: ClinVar variation 3378478 (VCV003378478.1).

ClinVar aggregate classification (germline): Benign (1 of 4 stars; one submission).

Conditions:
Familial cancer of breast. Also called: hereditary breast carcinoma; Hereditary breast cancer; BREAST CANCER, FAMILIAL. Identifiers: Orphanet 227535, MedGen C0346153, MONDO:0016419, OMIM 114480. Disease mechanism: loss of function.

Submission:

Myriad Genetics, Inc.
Classification: Benign for Familial cancer of breast. Last evaluated: 2024-08-21. Review status: criteria provided, single submitter. Criteria: Myriad Autosomal Dominant, Autosomal Recessive and X-Linked Classification Criteria (2023). Collection method: clinical testing. Allele origin: unknown.
Comment: This variant is considered benign. This variant is a silent/synonymous amino acid change and it is not expected to impact splicing.